The following is an entry in ClinVar:

NM_198525.3(KIF7):c.1069T>G (p.Trp357Gly)

Gene: KIF7 (kinesin family member 7; minus strand). Cytogenetic location: 15q26.1.
Variant type: single nucleotide variant.
Coding change: c.1069T>G on transcript NM_198525.3 (MANE Select); coding-DNA position 1069, T replaced by G.
Protein change: p.Trp357Gly; replaces tryptophan 357 with glycine.
Molecular consequence: missense variant.
Genome position (GRCh38, 1-based): chr15:89,648,629, A>C on the plus strand (T>G on the coding strand, the complement: KIF7 is on the minus strand). VCF-style: chr15-89648629-A-C. GRCh37 (hg19) VCF-style: chr15-90191860-A-C.
Other names: short protein forms W357G.
Identifiers: ClinVar variation 1414616 (VCV001414616.2), dbSNP rs1449579286, ClinGen allele CA393772736.

ClinVar aggregate classification (germline): Uncertain significance. Review status: criteria provided, multiple submitters, no conflicts (2 of 4 stars). 2 submissions from 2 submitters: Uncertain significance (2). Last evaluated 2024-06-13.

Conditions:
Acrocallosal syndrome (ACLS). Also called: Schinzel syndrome 1; Absence of corpus callosum with unusual facial appearance, mental deficiency, duplication of the halluces and polydactyly; HALLUX DUPLICATION, POSTAXIAL POLYDACTYLY, AND ABSENCE OF CORPUS CALLOSUM. Identifiers: Orphanet 36, MedGen C0796147, MONDO:0008708, OMIM 200990.
Multiple epiphyseal dysplasia, Al-Gazali type. Also called: Macrocephaly with multiple epiphyseal dysplasia and distinctive facies. Identifiers: Orphanet 166024, MedGen C1846722, MONDO:0011778, OMIM 607131.
Hydrolethalus syndrome 2 (HLS2). Identifiers: Orphanet 2189, MedGen C3279899, MONDO:0013585, OMIM 614120.

Allele frequency attached by ClinVar (database versions not stated): gnomAD exomes 0.00002 and 0.00005.
gnomAD v4.1: 10 of 1,534,972 alleles (0.00065%); highest among the groups gnomAD compares: Admixed American, 0.018%; no homozygotes.

Submissions (2):

Fulgent Genetics
Classification: Uncertain significance for Acrocallosal syndrome; Multiple epiphyseal dysplasia, Al-Gazali type; Hydrolethalus syndrome 2. Last evaluated: 2024-06-13. Review status: criteria provided, single submitter. Criteria: ACMG Guidelines, 2015. Collection method: clinical testing. Allele origin: germline.

Labcorp Genetics (formerly Invitae), Labcorp
Classification: Uncertain significance for Acrocallosal syndrome. Last evaluated: 2021-11-02. Review status: criteria provided, single submitter. Criteria: Invitae Variant Classification Sherloc (09022015). Collection method: clinical testing. Allele origin: germline.
Comment: This sequence change replaces tryptophan, which is neutral and slightly polar, with glycine, which is neutral and non-polar, at codon 357 of the KIF7 protein (p.Trp357Gly). This variant is present in population databases (no rsID available, gnomAD 0.03%). This variant has not been reported in the literature in individuals affected with KIF7-related conditions. Algorithms developed to predict the effect of missense changes on protein structure and function (SIFT, PolyPhen-2, Align-GVGD) all suggest that this variant is likely to be tolerated. In summary, the available evidence is currently insufficient to determine the role of this variant in disease. Therefore, it has been classified as a Variant of Uncertain Significance.